The following is an entry in ClinVar:

ClinVar aggregate classification (germline): Pathogenic (1 of 4 stars; one submission).

Conditions:
Cohen syndrome (COH1). Also called: PEPPER SYNDROME; Cutis verticis gyrata, retinitis pigmentosa, and sensorineural deafness. Identifiers: Orphanet 193, MedGen C0265223, MONDO:0008999, OMIM 216550.

Allele frequency attached by ClinVar (database versions not stated): TOPMed below 0.00001.
gnomAD v4.1: 1 of 1,613,772 alleles (0.000062%); highest among the groups gnomAD compares: Non-Finnish European, 0.000085%; no homozygotes.

Submission:

Labcorp Genetics (formerly Invitae), Labcorp
Classification: Pathogenic for Cohen syndrome. Last evaluated: 2022-04-21. Review status: criteria provided, single submitter. Criteria: Invitae Variant Classification Sherloc (09022015). Collection method: clinical testing. Allele origin: germline.
Comment: For these reasons, this variant has been classified as Pathogenic. This variant has not been reported in the literature in individuals affected with VPS13B-related conditions. This variant is not present in population databases (gnomAD no frequency). This sequence change creates a premature translational stop signal (p.Arg1598*) in the VPS13B gene. It is expected to result in an absent or disrupted protein product. Loss-of-function variants in VPS13B are known to be pathogenic (PMID: 15141358, 16648375, 20461111).

Literature cited by the submitters: PubMed 15141358; PubMed 16648375; PubMed 20461111.

NM_152564.5(VPS13B):c.4717A>T (p.Arg1573Ter)

Gene: VPS13B (vacuolar protein sorting 13 homolog B; plus strand). Cytogenetic location: 8q22.2.
Variant type: single nucleotide variant.
Coding change: c.4717A>T on transcript NM_152564.5 (MANE Select); coding-DNA position 4717, A replaced by T.
Protein change: p.Arg1573Ter; replaces arginine 1573 with a stop codon.
Molecular consequence: nonsense.
Genome position (GRCh38, 1-based): chr8:99,520,982, A>T. VCF-style: chr8-99520982-A-T. GRCh37 (hg19) VCF-style: chr8-100533210-A-T.
Other names: c.4792A>T, p.Arg1598Ter (NM_017890.5); short protein forms R1573*, R1598*.
Identifiers: ClinVar variation 1456748 (VCV001456748.6), dbSNP rs1822355402, ClinGen allele CA371866554.